The following is an entry in ClinVar:

NM_144997.7(FLCN):c.1576A>G (p.Ser526Gly)

Gene: FLCN (folliculin; minus strand). Cytogenetic location: 17p11.2.
Variant type: single nucleotide variant.
Coding change: c.1576A>G on transcript NM_144997.7 (MANE Select); coding-DNA position 1576, A replaced by G.
Protein change: p.Ser526Gly; replaces serine 526 with glycine.
Molecular consequence: missense variant.
Genome position (GRCh38, 1-based): chr17:17,213,819, T>C on the plus strand (A>G on the coding strand, the complement: FLCN is on the minus strand). VCF-style: chr17-17213819-T-C. GRCh37 (hg19) VCF-style: chr17-17117133-T-C.
Other names: c.1630A>G, p.Ser544Gly (NM_001353229.2); c.1576A>G, p.Ser526Gly (NM_001353230.2, NM_001353231.2); short protein forms S526G, S544G.
Identifiers: ClinVar variation 1024134 (VCV001024134.5), dbSNP rs2046823044, ClinGen allele CA398530453.

ClinVar aggregate classification (germline): Uncertain significance (1 of 4 stars; one submission).

Conditions:
Birt-Hogg-Dube syndrome. Also called: Birt Hogg Dubé syndrome. Identifiers: Orphanet 122, MedGen C0346010, MONDO:0800444.

Submission:

Labcorp Genetics (formerly Invitae), Labcorp
Classification: Uncertain significance for Birt-Hogg-Dube syndrome. Last evaluated: 2025-09-14. Review status: criteria provided, single submitter. Criteria: Invitae Variant Classification Sherloc (09022015). Collection method: clinical testing. Allele origin: germline.
Comment: This sequence change replaces serine, which is neutral and polar, with glycine, which is neutral and non-polar, at codon 526 of the FLCN protein (p.Ser526Gly). This variant is not present in population databases (gnomAD no frequency). This variant has not been reported in the literature in individuals affected with FLCN-related conditions. ClinVar contains an entry for this variant (Variation ID: 1024134). Invitae Evidence Modeling of protein sequence and biophysical properties (such as structural, functional, and spatial information, amino acid conservation, physicochemical variation, residue mobility, and thermodynamic stability) indicates that this missense variant is not expected to disrupt FLCN protein function with a negative predictive value of 80%. In summary, the available evidence is currently insufficient to determine the role of this variant in disease. Therefore, it has been classified as a Variant of Uncertain Significance.